The following is an entry in ClinVar:

NM_015073.3(SIPA1L3):c.749T>A (p.Leu250His)

Gene: SIPA1L3 (signal induced proliferation associated 1 like 3; plus strand). Cytogenetic location: 19q13.13.
Variant type: single nucleotide variant.
Coding change: c.749T>A on transcript NM_015073.3 (MANE Select); coding-DNA position 749, T replaced by A.
Protein change: p.Leu250His; replaces leucine 250 with histidine.
Molecular consequence: missense variant.
Genome position (GRCh38, 1-based): chr19:38,082,314, T>A. VCF-style: chr19-38082314-T-A. GRCh37 (hg19) VCF-style: chr19-38572954-T-A.
Other names: short protein forms L250H.
Identifiers: ClinVar variation 3005663 (VCV003005663.3), dbSNP rs759360585, ClinGen allele CA9409188.
Genomic context (GRCh38, chr19:38,082,314, plus strand): 5'-CCGACGCCCGAGGGTGCCAGGCCCTCACCGAGCTCCTCCGGGCAGATCCTGGCCCACACC[T>A]CATGGGGGGCGGCGGCGGAGCCAAGGGGGACTCCCACAACGGGCAGCCCGCCAAGGACAG-3'
Protein context (NP_055888.1, residues 240-260): ELLRADPGPH[Leu250His]MGGGGGAKGD

ClinVar aggregate classification (germline): Uncertain significance (1 of 4 stars; one submission).

Allele frequency attached by ClinVar (database versions not stated): ExAC 0.00001.
gnomAD v4.1: 2 of 1,599,034 alleles (0.00013%); highest among the groups gnomAD compares: Admixed American, 0.0033%; no homozygotes.

Submission:

Labcorp Genetics (formerly Invitae), Labcorp
Classification: Uncertain significance. Last evaluated: 2023-08-10. Review status: criteria provided, single submitter. Criteria: Invitae Variant Classification Sherloc (09022015). Collection method: clinical testing. Allele origin: germline.
Comment: This sequence change replaces leucine, which is neutral and non-polar, with histidine, which is basic and polar, at codon 250 of the SIPA1L3 protein (p.Leu250His). In summary, the available evidence is currently insufficient to determine the role of this variant in disease. Therefore, it has been classified as a Variant of Uncertain Significance. An algorithm developed to predict the effect of missense changes on protein structure and function (PolyPhen-2) suggests that this variant is likely to be tolerated. This variant has not been reported in the literature in individuals affected with SIPA1L3-related conditions. This variant is present in population databases (rs759360585, gnomAD 0.006%).